The following is an entry in ClinVar:

ClinVar aggregate classification (germline): Benign. Review status: criteria provided, multiple submitters, no conflicts (2 of 4 stars). 2 submissions from 2 submitters: Benign (2). Last evaluated 2018-06-14.

Allele frequency attached by ClinVar (database versions not stated): TOPMed 0.07533; 1000 Genomes Project 0.07788; 1000 Genomes Project 30x 0.07870; ESP Exome Variant Server 0.08715; gnomAD 0.08759 and 0.08886; gnomAD exomes 0.10571 and 0.11459; ExAC 0.11712.
gnomAD v4.1: 174,563 of 1,561,820 alleles (11%); highest among the groups gnomAD compares: East Asian, 12%; 10,506 homozygotes.

Submissions (2):

GeneDx
Classification: Benign. Last evaluated: 2018-06-14. Review status: criteria provided, single submitter. Criteria: GeneDx Variant Classification (06012015). Collection method: clinical testing. Allele origin: germline. Affected: yes.
Comment: This variant is considered likely benign or benign based on one or more of the following criteria: it is a conservative change, it occurs at a poorly conserved position in the protein, it is predicted to be benign by multiple in silico algorithms, and/or has population frequency not consistent with disease.

Breakthrough Genomics
Classification: Benign. Review status: criteria provided, single submitter. Criteria: ACMG Guidelines, 2015. Collection method: not provided. Allele origin: germline. Inheritance: Autosomal recessive inheritance. Affected: yes.

NM_001377.3(DYNC2H1):c.10461+27G>A

Gene: DYNC2H1 (dynein cytoplasmic 2 heavy chain 1; plus strand). Cytogenetic location: 11q22.3.
Variant type: single nucleotide variant.
Coding change: c.10461+27G>A on transcript NM_001377.3 (MANE Select); 27 bases into the intron after coding-DNA position 10461, G replaced by A.
Molecular consequence: intron variant.
Genome position (GRCh38, 1-based): chr11:103,256,267, G>A. VCF-style: chr11-103256267-G-A. GRCh37 (hg19) VCF-style: chr11-103126996-G-A.
Other names: c.10482+27G>A (NM_001080463.2).
Identifiers: ClinVar variation 675080 (VCV000675080.2), dbSNP rs959890, ClinGen allele CA6254977.